The following is an entry in ClinVar:

ClinVar aggregate classification (germline): Likely pathogenic. Review status: criteria provided, multiple submitters, no conflicts (2 of 4 stars). 2 submissions from 2 submitters: Likely pathogenic (2). Last evaluated 2023-09-01.

Conditions:
Nemaline myopathy 2 (NEM2). Also called: Nemaline myopathy 2, autosomal recessive. Identifiers: MedGen C1850569, MONDO:0009725, OMIM 256030.

Submissions (2):

Labcorp Genetics (formerly Invitae), Labcorp
Classification: Likely pathogenic for Nemaline myopathy 2. Last evaluated: 2023-09-01. Review status: criteria provided, single submitter. Criteria: Invitae Variant Classification Sherloc (09022015). Collection method: clinical testing. Allele origin: germline.
Comment: Algorithms developed to predict the effect of sequence changes on RNA splicing suggest that this variant may disrupt the consensus splice site. In summary, the currently available evidence indicates that the variant is pathogenic, but additional data are needed to prove that conclusively. Therefore, this variant has been classified as Likely Pathogenic. ClinVar contains an entry for this variant (Variation ID: 1335963). This variant has not been reported in the literature in individuals affected with NEB-related conditions. This variant is not present in population databases (gnomAD no frequency). This sequence change affects an acceptor splice site in intron 167 of the NEB gene. It is expected to disrupt RNA splicing. Variants that disrupt the donor or acceptor splice site typically lead to a loss of protein function (PMID: 16199547), and loss-of-function variants in NEB are known to be pathogenic (PMID: 25205138).

Genetic Services Laboratory, University of Chicago
Classification: Likely pathogenic. Last evaluated: 2019-07-19. Review status: criteria provided, single submitter. Criteria: ACMG Guidelines, 2015. Collection method: clinical testing. Allele origin: germline. Affected: yes.
Comment: DNA sequence analysis of the NEB gene demonstrated a sequence change located in the canonical splice acceptor site of intron 139, c.18733-2A>G. This sequence change does not appear to have been previously described in patients with NEB-related disorders and has also not been described in population databases (ExAC and gnomAD). This sequence change is predicted to affect normal splicing of the NEB gene and result in an abnormal protein, however functional studies have not been performed to prove this conclusively.

Literature cited by the submitters: PubMed 16199547 (cited by Labcorp Genetics (formerly Invitae), Labcorp); PubMed 25205138 (cited by Labcorp Genetics (formerly Invitae), Labcorp).

NM_001164508.2(NEB):c.23836-2A>G

Genes: NEB (nebulin; minus strand), RIF1 (replication timing regulatory factor 1; plus strand). Cytogenetic location: 2q23.3.
Variant type: single nucleotide variant.
Coding change: c.23836-2A>G on transcript NM_001164508.2 (MANE Select); the canonical splice acceptor site of the intron before coding-DNA position 23836, A replaced by G.
Molecular consequence: splice acceptor variant.
Genome position (GRCh38, 1-based): chr2:151,502,887, T>C on the plus strand (A>G on the coding strand, the complement: NEB is on the minus strand). VCF-style: chr2-151502887-T-C. GRCh37 (hg19) VCF-style: chr2-152359401-T-C.
Other names: c.18733-2A>G (NM_004543.5); c.23836-2A>G (NM_001164507.2); c.23941-2A>G (NM_001271208.2).
Identifiers: ClinVar variation 1335963 (VCV001335963.7), dbSNP rs2153104173, ClinGen allele CA348781975.